The following is an entry in ClinVar:

ClinVar aggregate classification (germline): Benign/Likely benign. Review status: criteria provided, multiple submitters, no conflicts (2 of 4 stars). 10 submissions from 10 submitters: Benign (7); Likely benign (2). 1 of the submissions does not count toward it. Last evaluated 2026-01-31.

Conditions:
Developmental and epileptic encephalopathy, 12 (DEE12). Identifiers: MedGen C3150988, MONDO:0013389, OMIM 613722.
PNKP-related disorder. Also called: PNKP-related disorders; PNKP-related condition.
Inborn genetic diseases. Identifiers: MedGen C0950123, MeSH D030342.
Microcephaly, seizures, and developmental delay. Identifiers: Orphanet 1934, MedGen C3150667, MONDO:0013254, OMIM 613402.

Allele frequency attached by ClinVar (database versions not stated): gnomAD exomes 0.00094 and 0.00261; ExAC 0.00324; gnomAD 0.00995 and 0.01081; TOPMed 0.01107; 1000 Genomes Project 0.01218; 1000 Genomes Project 30x 0.01280; ESP Exome Variant Server 0.01299.

Submissions (10):

Labcorp Genetics (formerly Invitae), Labcorp
Classification: Benign for Developmental and epileptic encephalopathy, 12. Last evaluated: 2026-01-31. Review status: criteria provided, single submitter. Criteria: Invitae Variant Classification Sherloc (09022015). Collection method: clinical testing. Allele origin: germline.

Athena Diagnostics
Classification: Benign. Last evaluated: 2024-12-30. Review status: criteria provided, single submitter. Criteria: Athena Diagnostics Criteria. Collection method: clinical testing. Allele origin: unknown.
Comment: The frequency of this variant in the general population is higher than would generally be expected for pathogenic variants in this gene.

Mayo Clinic Laboratories, Mayo Clinic
Classification: Benign. Last evaluated: 2023-06-05. Review status: criteria provided, single submitter. Criteria: ACMG Guidelines, 2015. Collection method: clinical testing. Allele origin: germline. Observed: 15 variant alleles.

Illumina Laboratory Services, Illumina
Classification: Benign for Microcephaly, seizures, and developmental delay. Last evaluated: 2018-01-13. Review status: criteria provided, single submitter. Criteria: ICSL Variant Classification Criteria 13 December 2019. Collection method: clinical testing. Allele origin: germline.
Comment: This variant was observed in the ICSL laboratory as part of a predisposition screen in an ostensibly healthy population. It had not been previously curated by ICSL or reported in the Human Gene Mutation Database (HGMD: prior to June 1st, 2018), and was therefore a candidate for classification through an automated scoring system. Utilizing variant allele frequency, disease prevalence and penetrance estimates, and inheritance mode, an automated score was calculated to assess if this variant is too frequent to cause the disease. Based on the score and internal cut-off values, a variant classified as benign is not then subjected to further curation. The score for this variant resulted in a classification of benign for this disease.

Center for Pediatric Genomic Medicine, Children's Mercy Hospital and Clinics
Classification: Likely benign. Last evaluated: 2017-06-12. Review status: criteria provided, single submitter. Criteria: ACMG Guidelines, 2015. Collection method: clinical testing. Allele origin: germline.

Ambry Genetics
Classification: Benign for Inborn genetic diseases. Last evaluated: 2016-05-09. Review status: criteria provided, single submitter. Criteria: Ambry Variant Classification Scheme 2023. Collection method: clinical testing. Allele origin: germline.

Genetic Services Laboratory, University of Chicago
Classification: Benign. Last evaluated: 2013-02-08. Review status: criteria provided, single submitter. Criteria: ACMG Guidelines, 2007. Collection method: clinical testing. Allele origin: germline. Inheritance: Autosomal recessive inheritance.

GeneDx
Classification: Benign. Last evaluated: 2012-05-14. Review status: criteria provided, single submitter. Criteria: GeneDx Variant Classification (06012015). Collection method: clinical testing. Allele origin: germline. Affected: yes.
Comment: This variant is considered likely benign or benign based on one or more of the following criteria: it is a conservative change, it occurs at a poorly conserved position in the protein, it is predicted to be benign by multiple in silico algorithms, and/or has population frequency not consistent with disease.

Breakthrough Genomics
Classification: Likely benign. Review status: criteria provided, single submitter. Criteria: ACMG Guidelines, 2015. Collection method: not provided. Allele origin: germline. Inheritance: Autosomal recessive inheritance. Affected: yes.

PreventionGenetics, part of Exact Sciences
Classification: Benign for PNKP-related condition. Last evaluated: 2019-03-08. Review status: no assertion criteria provided. Collection method: clinical testing. Allele origin: germline. Not counted in ClinVar's aggregate classification.
Comment: This variant is classified as benign based on ACMG/AMP sequence variant interpretation guidelines (Richards et al. 2015 PMID: 25741868, with internal and published modifications).

NM_007254.4(PNKP):c.586T>A (p.Tyr196Asn)

Gene: PNKP (polynucleotide kinase 3'-phosphatase; minus strand). Cytogenetic location: 19q13.33.
Variant type: single nucleotide variant.
Coding change: c.586T>A on transcript NM_007254.4 (MANE Select); coding-DNA position 586, T replaced by A.
Protein change: p.Tyr196Asn; replaces tyrosine 196 with asparagine.
Molecular consequence: missense variant.
Genome position (GRCh38, 1-based): chr19:49,864,229, A>T on the plus strand (T>A on the coding strand, the complement: PNKP is on the minus strand). VCF-style: chr19-49864229-A-T. GRCh37 (hg19) VCF-style: chr19-50367486-A-T.
Other names: p.Y196N:TAC>AAC; short protein forms Y196N.
Identifiers: ClinVar variation 138709 (VCV000138709.30), dbSNP rs3739186, ClinGen allele CA295148.